The following is an entry in ClinVar:

NM_001042492.3(NF1):c.2829G>A (p.Lys943=)

Gene: NF1 (neurofibromin 1; plus strand). Cytogenetic location: 17q11.2.
Variant type: single nucleotide variant.
Coding change: c.2829G>A on transcript NM_001042492.3 (MANE Select); coding-DNA position 2829, G replaced by A.
Protein change: p.Lys943=; no amino-acid change (lysine 943 retained).
Molecular consequence: synonymous variant.
Genome position (GRCh38, 1-based): chr17:31,229,444, G>A. VCF-style: chr17-31229444-G-A. GRCh37 (hg19) VCF-style: chr17-29556462-G-A.
Other names: c.2829G>A, p.Lys943= (NM_000267.4).
Identifiers: ClinVar variation 480110 (VCV000480110.12), dbSNP rs1555614351, ClinGen allele CA499229273.

ClinVar aggregate classification (germline): Likely benign. Review status: criteria provided, multiple submitters, no conflicts (2 of 4 stars). 4 submissions from 4 submitters: Likely benign (4). Last evaluated 2025-02-23.

Conditions:
Hereditary cancer-predisposing syndrome. Also called: Hereditary neoplastic syndrome; Neoplastic Syndromes, Hereditary; Tumor predisposition; Hereditary Cancer Syndrome. Identifiers: Orphanet 140162, MedGen C0027672, MeSH D009386, MONDO:0015356.
Neurofibromatosis, type 1 (NF1). Also called: VON RECKLINGHAUSEN DISEASE; Peripheral type neurofibromatosis; NEUROFIBROMATOSIS, TYPE I, SOMATIC; Neurofibromatosis, type I. Identifiers: Orphanet 636, MedGen C0027831, MONDO:0018975, OMIM 162200. Disease mechanism: loss of function.

Submissions (4):

Labcorp Genetics (formerly Invitae), Labcorp
Classification: Likely benign for Neurofibromatosis, type 1. Last evaluated: 2025-02-23. Review status: criteria provided, single submitter. Criteria: Invitae Variant Classification Sherloc (09022015). Collection method: clinical testing. Allele origin: germline.

Genome-Nilou Lab
Classification: Likely benign for Neurofibromatosis, type 1. Last evaluated: 2022-03-15. Review status: criteria provided, single submitter. Criteria: ACMG Guidelines, 2015. Collection method: clinical testing. Allele origin: germline. Affected: no.

Sema4
Classification: Likely benign for Hereditary cancer-predisposing syndrome. Last evaluated: 2020-10-09. Review status: criteria provided, single submitter. Criteria: Sema4 Curation Guidelines. Collection method: curation. Allele origin: germline.

Ambry Genetics
Classification: Likely benign for Hereditary cancer-predisposing syndrome. Last evaluated: 2016-03-18. Review status: criteria provided, single submitter. Criteria: Ambry Autosomal Dominant and X-Linked criteria (10/2015). Collection method: clinical testing. Allele origin: germline. Observed: 1 variant allele.
Comment: In silico models in agreement (benign);Synonymous alterations with insufficient evidence to classify as benign